The following is an entry in ClinVar:

ClinVar aggregate classification (germline): Uncertain significance (1 of 4 stars; one submission).

Allele frequency attached by ClinVar (database versions not stated): gnomAD exomes below 0.00001.
gnomAD v4.1: 1 of 1,613,454 alleles (0.000062%); highest among the groups gnomAD compares: Non-Finnish European, 0.000085%; no homozygotes.

Submission:

Labcorp Genetics (formerly Invitae), Labcorp
Classification: Uncertain significance. Last evaluated: 2022-07-19. Review status: criteria provided, single submitter. Criteria: Invitae Variant Classification Sherloc (09022015). Collection method: clinical testing. Allele origin: germline.
Comment: In summary, the available evidence is currently insufficient to determine the role of this variant in disease. Therefore, it has been classified as a Variant of Uncertain Significance. Algorithms developed to predict the effect of missense changes on protein structure and function are either unavailable or do not agree on the potential impact of this missense change (SIFT: "Not Available"; PolyPhen-2: "Benign"; Align-GVGD: "Not Available"). This variant has not been reported in the literature in individuals affected with IFT88-related conditions. This variant is present in population databases (no rsID available, gnomAD 0.0009%). This sequence change replaces alanine, which is neutral and non-polar, with serine, which is neutral and polar, at codon 311 of the IFT88 protein (p.Ala311Ser).

NM_006531.5(IFT88):c.904G>T (p.Ala302Ser)

Gene: IFT88 (intraflagellar transport 88; plus strand). Cytogenetic location: 13q12.11.
Variant type: single nucleotide variant.
Coding change: c.904G>T on transcript NM_006531.5 (MANE Select); coding-DNA position 904, G replaced by T.
Protein change: p.Ala302Ser; replaces alanine 302 with serine.
Molecular consequence: missense variant. On other transcripts: non-coding transcript variant (5), intron variant (7).
Genome position (GRCh38, 1-based): chr13:20,601,796, G>T. VCF-style: chr13-20601796-G-T. GRCh37 (hg19) VCF-style: chr13-21175935-G-T.
Other names: c.904G>T, p.Ala302Ser (NM_001353572.2, NM_001353568.2); c.847G>T, p.Ala283Ser (NM_001353573.2, NM_001353575.2, NM_001318491.2); c.271G>T, p.Ala91Ser (NM_001353579.2); c.931G>T, p.Ala311Ser (NM_175605.5, NM_001318493.2, NM_001353565.2 and 2 more transcripts); c.883+48G>T (NM_001353570.2, NM_001353576.2, NM_001353577.2 and 1 more transcripts); c.856+48G>T (NM_001353571.2, NM_001353578.2); c.799+48G>T (NM_001353574.2); short protein forms A283S, A91S, A302S, A311S.
Identifiers: ClinVar variation 2076880 (VCV002076880.4), dbSNP rs1397086115, ClinGen allele CA387474684.